The following is an entry in ClinVar:

NM_058195.4(CDKN2A):c.190C>A (p.Pro64Thr)

Gene: CDKN2A (cyclin dependent kinase inhibitor 2A; minus strand). Cytogenetic location: 9p21.3.
Variant type: single nucleotide variant.
Coding change: c.190C>A on transcript NM_058195.4 (MANE Plus Clinical); coding-DNA position 190, C replaced by A.
Protein change: p.Pro64Thr; replaces proline 64 with threonine.
Molecular consequence: missense variant. On other transcripts: intron variant (1).
Genome position (GRCh38, 1-based): chr9:21,994,142, G>T on the plus strand (C>A on the coding strand, the complement: CDKN2A is on the minus strand). VCF-style: chr9-21994142-G-T. GRCh37 (hg19) VCF-style: chr9-21994141-G-T.
Other names: c.-4+679C>A (NM_001363763.2); short protein forms P64T.
Identifiers: ClinVar variation 2663137 (VCV002663137.1), dbSNP rs1427767413, ClinGen allele CA373086768.
Genomic context (GRCh38, chr9:21,994,142, plus strand): 5'-CACACCAAACAAAACAAGTGCCGAATGCGCCCCGGACTTTTCGAGGGCCTTTCCTACCTG[G>T]TCTTCTAGGAAGCGGCTGCTGCCCTAGACGCTGGCTCCTCAGTAGCATCAGCACGAGGGC-3'
Protein context (NP_478102.2, residues 54-74): RLGQQPLPRR[Pro64Thr]GHDDGQRPSG

ClinVar aggregate classification (germline): Uncertain significance (1 of 4 stars; one submission).

Submission:

GeneDx
Classification: Uncertain significance. Last evaluated: 2023-04-04. Review status: criteria provided, single submitter. Criteria: GeneDx Variant Classification Process June 2021. Collection method: clinical testing. Allele origin: germline. Affected: yes.
Comment: Not observed at significant frequency in large population cohorts (gnomAD); Has not been previously published as pathogenic or benign to our knowledge; Reported using an alternate transcript of the gene; This variant is associated with the following publications: (PMID: 9653180, 9529249, 16173922)